The following is an entry in ClinVar:

ClinVar aggregate classification (germline): Pathogenic (1 of 4 stars; one submission).

Conditions:
Succinate-semialdehyde dehydrogenase deficiency (SSADHD). Also called: SSADH DEFICIENCY; 4-HYDROXYBUTYRIC ACIDURIA; GABA METABOLIC DEFECT; Succinic Semialdehyde Dehydrogenase Deficiency. Identifiers: Orphanet 22, MedGen C0268631, MONDO:0010083, OMIM 271980.

Submission:

Labcorp Genetics (formerly Invitae), Labcorp
Classification: Pathogenic for Succinate-semialdehyde dehydrogenase deficiency. Last evaluated: 2022-08-29. Review status: criteria provided, single submitter. Criteria: Invitae Variant Classification Sherloc (09022015). Collection method: clinical testing. Allele origin: germline.
Comment: For these reasons, this variant has been classified as Pathogenic. Algorithms developed to predict the effect of sequence changes on RNA splicing suggest that this variant may disrupt the consensus splice site. This variant is also known as IVS2+1G>A. Disruption of this splice site has been observed in individual(s) with succinic semialdehyde dehydrogenase deficiency (PMID: 14635103). This variant is not present in population databases (gnomAD no frequency). This sequence change affects a donor splice site in intron 2 of the ALDH5A1 gene. It is expected to disrupt RNA splicing. Variants that disrupt the donor or acceptor splice site typically lead to a loss of protein function (PMID: 16199547), and loss-of-function variants in ALDH5A1 are known to be pathogenic (PMID: 14635103).

Literature cited by the submitters: PubMed 14635103; PubMed 16199547.

NM_001080.3(ALDH5A1):c.438+1G>A

Gene: ALDH5A1 (aldehyde dehydrogenase 5 family member A1; plus strand). Cytogenetic location: 6p22.3.
Variant type: single nucleotide variant.
Coding change: c.438+1G>A on transcript NM_001080.3 (MANE Select); the canonical splice donor site of the intron after coding-DNA position 438, G replaced by A.
Molecular consequence: splice donor variant.
Genome position (GRCh38, 1-based): chr6:24,502,607, G>A. VCF-style: chr6-24502607-G-A. GRCh37 (hg19) VCF-style: chr6-24502835-G-A.
Other names: c.438+1G>A (NM_170740.1, NM_001368954.1).
Identifiers: ClinVar variation 2136369 (VCV002136369.4), dbSNP rs2532831083, ClinGen allele CA362969354.